The following is an entry in ClinVar:

NM_002439.5(MSH3):c.250G>C (p.Asp84His)

Gene: MSH3 (mutS homolog 3; plus strand). Cytogenetic location: 5q14.1.
Variant type: single nucleotide variant.
Coding change: c.250G>C on transcript NM_002439.5 (MANE Select); coding-DNA position 250, G replaced by C.
Protein change: p.Asp84His; replaces aspartic acid 84 with histidine.
Molecular consequence: missense variant.
Genome position (GRCh38, 1-based): chr5:80,656,423, G>C. VCF-style: chr5-80656423-G-C. GRCh37 (hg19) VCF-style: chr5-79952242-G-C.
Other names: short protein forms D84H.
Identifiers: ClinVar variation 1792380 (VCV001792380.2), dbSNP rs2546712118, ClinGen allele CA360266132.
Genomic context (GRCh38, chr5:80,656,423, plus strand): 5'-CTTCTCAGAGTAGAGATAACACATCATTTTCTAACCTTCCCGATATAGGCTACAGAAATT[G>C]ACAGAAGAAAGAAGAGACCATTGGAAAATGATGGGCCTGTTAAAAAGAAAGTAAAGAAAG-3'
Protein context (NP_002430.3, residues 74-94): QLPPHIATEI[Asp84His]RRKKRPLEND

ClinVar aggregate classification (germline): Uncertain significance (1 of 4 stars; one submission).

Conditions:
Hereditary cancer-predisposing syndrome. Also called: Hereditary Cancer Syndrome; Hereditary neoplastic syndrome; Tumor predisposition; Neoplastic Syndromes, Hereditary. Identifiers: Orphanet 140162, MedGen C0027672, MeSH D009386, MONDO:0015356.

Allele frequency attached by ClinVar (database versions not stated): gnomAD exomes below 0.00001.
gnomAD v4.1: 1 of 1,614,066 alleles (0.000062%); highest among the groups gnomAD compares: Non-Finnish European, 0.000085%; no homozygotes.

Submission:

Ambry Genetics
Classification: Uncertain significance for Hereditary cancer-predisposing syndrome. Last evaluated: 2021-06-22. Review status: criteria provided, single submitter. Criteria: Ambry Variant Classification Scheme 2023. Collection method: clinical testing. Allele origin: germline.
Comment: The p.D84H variant (also known as c.250G>C), located in coding exon 2 of the MSH3 gene, results from a G to C substitution at nucleotide position 250. The aspartic acid at codon 84 is replaced by histidine, an amino acid with similar properties. This amino acid position is not well conserved in available vertebrate species. In addition, this alteration is predicted to be tolerated by in silico analysis. Since supporting evidence is limited at this time, the clinical significance of this alteration remains unclear.